The following is an entry in ClinVar:

ClinVar aggregate classification (germline): Uncertain significance (1 of 4 stars; one submission).

Submission:

GeneDx
Classification: Uncertain significance. Last evaluated: 2025-06-12. Review status: criteria provided, single submitter. Criteria: GeneDx Variant Classification Process June 2021. Collection method: clinical testing. Allele origin: germline. Affected: yes.
Comment: Not observed at significant frequency in large population cohorts (gnomAD); In silico analysis supports that this missense variant has a deleterious effect on protein structure/function; Has not been previously published as pathogenic or benign to our knowledge

NM_002700.3(POU4F3):c.677G>T (p.Ser226Ile)

Genes: POU4F3 (POU class 4 homeobox 3; plus strand), RBM27-POU4F3 (RBM27-POU4F3 readthrough; plus strand). Cytogenetic location: 5q32.
Variant type: single nucleotide variant.
Coding change: c.677G>T on transcript NM_002700.3 (MANE Select); coding-DNA position 677, G replaced by T.
Protein change: p.Ser226Ile; replaces serine 226 with isoleucine.
Molecular consequence: missense variant. On other transcripts: 3 prime UTR variant (1).
Genome position (GRCh38, 1-based): chr5:146,340,104, G>T. VCF-style: chr5-146340104-G-T. GRCh37 (hg19) VCF-style: chr5-145719667-G-T.
Other names: c.*546G>T (NM_001414499.1); short protein forms S226I.
Identifiers: ClinVar variation 4537997 (VCV004537997.1).